The following is an entry in ClinVar:

ClinVar aggregate classification (germline): Uncertain significance (1 of 4 stars; one submission).

Conditions:
Familial thoracic aortic aneurysm and aortic dissection (TAAD). Also called: Thoracic aortic aneurysms and dissections. Identifiers: Orphanet 91387, MedGen C4707243, MONDO:0019625.

Submission:

Ambry Genetics
Classification: Uncertain significance for Familial thoracic aortic aneurysm and aortic dissection. Last evaluated: 2022-07-19. Review status: criteria provided, single submitter. Criteria: Ambry Variant Classification Scheme 2023. Collection method: clinical testing. Allele origin: germline.
Comment: The p.S976R variant (also known as c.2928C>A), located in coding exon 18 of the NOTCH1 gene, results from a C to A substitution at nucleotide position 2928. The serine at codon 976 is replaced by arginine, an amino acid with dissimilar properties. This amino acid position is conserved. In addition, this alteration is predicted to be tolerated by in silico analysis. Since supporting evidence is limited at this time, the clinical significance of this alteration remains unclear.

NM_017617.5(NOTCH1):c.2928C>A (p.Ser976Arg)

Gene: NOTCH1 (notch receptor 1; minus strand). Cytogenetic location: 9q34.3.
Variant type: single nucleotide variant.
Coding change: c.2928C>A on transcript NM_017617.5 (MANE Select); coding-DNA position 2928, C replaced by A.
Protein change: p.Ser976Arg; replaces serine 976 with arginine.
Molecular consequence: missense variant.
Genome position (GRCh38, 1-based): chr9:136,509,774, G>T on the plus strand (C>A on the coding strand, the complement: NOTCH1 is on the minus strand). VCF-style: chr9-136509774-G-T. GRCh37 (hg19) VCF-style: chr9-139404226-G-T.
Other names: short protein forms S976R.
Identifiers: ClinVar variation 1797760 (VCV001797760.2), dbSNP rs534911025, ClinGen allele CA375553528.